The following is an entry in ClinVar:

ClinVar aggregate classification (germline): Conflicting classifications of pathogenicity. Review status: criteria provided, conflicting classifications (1 of 4 stars). 3 submissions from 3 submitters: Uncertain significance (1); Benign (1); Likely benign (1). Last evaluated 2026-02-04.

Conditions:
Bloom syndrome (BLM). Also called: Bloom-Torre-Machacek syndrome. Identifiers: Orphanet 125, MedGen C0005859, MONDO:0008876, OMIM 210900.

Allele frequency attached by ClinVar (database versions not stated): gnomAD exomes below 0.00001; TOPMed 0.00001.
gnomAD v4.1: 2 of 1,612,092 alleles (0.00012%); highest among the groups gnomAD compares: East Asian, 0.0022%; no homozygotes.

Submissions (3):

Labcorp Genetics (formerly Invitae), Labcorp
Classification: Benign for Bloom syndrome. Last evaluated: 2026-02-04. Review status: criteria provided, single submitter. Criteria: Invitae Variant Classification Sherloc (09022015). Collection method: clinical testing. Allele origin: germline.

Quest Diagnostics Nichols Institute San Juan Capistrano
Classification: Uncertain significance. Last evaluated: 2025-08-28. Review status: criteria provided, single submitter. Criteria: Quest Diagnostics criteria. Collection method: clinical testing. Allele origin: unknown.
Comment: The BLM c.799+7A>G variant has not been reported in individuals with BLM-related conditions in the published literature. This variant has not been reported in large, multi-ethnic general populations (Genome Aggregation Database). Analysis of this variant using software algorithms for the prediction of the effect of nucleotide changes on splicing yielded predictions that this variant does not affect BLM mRNA splicing. Based on the available information, we are unable to determine the clinical significance of this variant.

Blueprint Genetics
Classification: Likely benign. Last evaluated: 2024-02-19. Review status: criteria provided, single submitter. Criteria: ACMG Guidelines, 2015. Collection method: clinical testing. Allele origin: germline.

NM_000057.4(BLM):c.799+7A>G

Gene: BLM (BLM RecQ like helicase; plus strand). Cytogenetic location: 15q26.1.
Variant type: single nucleotide variant.
Coding change: c.799+7A>G on transcript NM_000057.4 (MANE Select); 7 bases into the intron after coding-DNA position 799, A replaced by G.
Molecular consequence: intron variant.
Genome position (GRCh38, 1-based): chr15:90,750,074, A>G. VCF-style: chr15-90750074-A-G. GRCh37 (hg19) VCF-style: chr15-91293304-A-G.
Other names: c.799+7A>G (NM_001287246.2, NM_001287247.2); c.-493+7A>G (NM_001287248.2).
Identifiers: ClinVar variation 697204 (VCV000697204.12), dbSNP rs1596219393, ClinGen allele CA645581831.